The following is an entry in ClinVar:

ClinVar aggregate classification (germline): Uncertain significance (1 of 4 stars; one submission).

Submission:

GeneDx
Classification: Uncertain significance. Last evaluated: 2025-07-27. Review status: criteria provided, single submitter. Criteria: GeneDx Variant Classification Process June 2021. Collection method: clinical testing. Allele origin: germline. Affected: yes.
Comment: Not observed at significant frequency in large population cohorts (gnomAD); In silico analysis supports that this missense variant has a deleterious effect on protein structure/function; Has not been previously published as pathogenic or benign to our knowledge

NM_000884.3(IMPDH2):c.313C>G (p.Arg105Gly)

Gene: IMPDH2 (inosine monophosphate dehydrogenase 2; minus strand). Cytogenetic location: 3p21.31.
Variant type: single nucleotide variant.
Coding change: c.313C>G on transcript NM_000884.3 (MANE Select); coding-DNA position 313, C replaced by G.
Protein change: p.Arg105Gly; replaces arginine 105 with glycine.
Molecular consequence: missense variant. On other transcripts: intron variant (2).
Genome position (GRCh38, 1-based): chr3:49,028,259, G>C on the plus strand (C>G on the coding strand, the complement: IMPDH2 is on the minus strand). VCF-style: chr3-49028259-G-C. GRCh37 (hg19) VCF-style: chr3-49065692-G-C.
Other names: c.313C>G, p.Arg105Gly (NM_001410759.1); c.249+172C>G (NM_001410761.1, NM_001410760.1); short protein forms R105G.
Identifiers: ClinVar variation 4689947 (VCV004689947.1).